The following is an entry in ClinVar:

NM_001395413.1(POR):c.1851G>T (p.Trp617Cys)

Gene: POR (cytochrome p450 oxidoreductase; plus strand). Cytogenetic location: 7q11.23.
Variant type: single nucleotide variant.
Coding change: c.1851G>T on transcript NM_001395413.1 (MANE Select); coding-DNA position 1851, G replaced by T.
Protein change: p.Trp617Cys; replaces tryptophan 617 with cysteine.
Molecular consequence: missense variant.
Genome position (GRCh38, 1-based): chr7:75,986,203, G>T. VCF-style: chr7-75986203-G-T. GRCh37 (hg19) VCF-style: chr7-75615521-G-T.
Other names: c.1860G>T, p.Trp620Cys (NM_000941.2, NM_000941.3); c.1851G>T, p.Trp617Cys (NM_001367562.3, NM_001382657.2, NM_001382658.3 and 1 more transcripts); c.1905G>T, p.Trp635Cys (NM_001382655.3); c.1701G>T, p.Trp567Cys (NM_001382662.3); short protein forms W567C, W617C, W620C, W635C.
Identifiers: ClinVar variation 2627457 (VCV002627457.1), dbSNP rs2535414898, ClinGen allele CA367750840.

ClinVar aggregate classification (germline): Uncertain significance (1 of 4 stars; one submission).

Conditions:
Congenital adrenal hyperplasia due to cytochrome P450 oxidoreductase deficiency. Also called: DISORDERED STEROIDOGENESIS DUE TO POR DEFICIENCY. Identifiers: Orphanet 95699, MedGen C1860042, MONDO:0013310, OMIM 613571.

Submission:

Neuberg Centre For Genomic Medicine, NCGM
Classification: Uncertain significance for Congenital adrenal hyperplasia due to cytochrome P450 oxidoreductase deficiency. Review status: criteria provided, single submitter. Criteria: ACMG Guidelines, 2015. Collection method: clinical testing. Allele origin: germline. Inheritance: Autosomal recessive inheritance. Affected: yes.
Comment: The missense variant p.W620C in POR (NM_000941.3) has not been reported previously as a pathogenic variant nor as a benign variant, to our knowledge. The p.W620C variant is novel (not in any individuals) in gnomAD Exomes and is novel (not in any individuals) in 1000 Genomes. The p.W620C missense variant is predicted to be damaging by both SIFT and PolyPhen2. The tryptophan residue at codon 620 of POR is conserved in all mammalian species. The nucleotide c.1860 in POR is predicted conserved by GERP++ and PhyloP across 100 vertebrates. For these reasons, this variant has been classified as Uncertain Significance.